The following is an entry in ClinVar:

ClinVar aggregate classification (germline): Uncertain significance (1 of 4 stars; one submission).

Submission:

CeGaT Center for Human Genetics Tuebingen
Classification: Uncertain significance. Last evaluated: 2022-10-01. Review status: criteria provided, single submitter. Criteria: CeGaT Center For Human Genetics Tuebingen Variant Classification Criteria Version 2. Collection method: clinical testing. Allele origin: germline. Affected: yes. Observed: 1 variant allele.
Comment: FOXJ1: PM2, PS2:Supporting

NM_001454.4(FOXJ1):c.52G>A (p.Gly18Arg)

Genes: FOXJ1 (forkhead box J1; minus strand), LOC130061708 (ATAC-STARR-seq lymphoblastoid silent region 9004; plus strand). Cytogenetic location: 17q25.1.
Variant type: single nucleotide variant.
Coding change: c.52G>A on transcript NM_001454.4 (MANE Select); coding-DNA position 52, G replaced by A.
Protein change: p.Gly18Arg; replaces glycine 18 with arginine.
Molecular consequence: missense variant.
Genome position (GRCh38, 1-based): chr17:76,140,344, C>T on the plus strand (G>A on the coding strand, the complement: FOXJ1 is on the minus strand). VCF-style: chr17-76140344-C-T. GRCh37 (hg19) VCF-style: chr17-74136425-C-T.
Other names: short protein forms G18R.
Identifiers: ClinVar variation 2648300 (VCV002648300.24), dbSNP rs2144765709, ClinGen allele CA401117069.